The following is an entry in ClinVar:

ClinVar aggregate classification (germline): Likely pathogenic (1 of 4 stars; one submission).

Conditions:
Multiple endocrine neoplasia, type 1 (MEN1). Also called: MEN I; WERMER SYNDROME; Endocrine adenomatosis multiple; MEN 1; MEA I. Identifiers: Orphanet 652, MedGen C0025267, MeSH D018761, MONDO:0007540, OMIM 131100.

Submission:

Women's Health and Genetics/Laboratory Corporation of America, LabCorp
Classification: Likely pathogenic for Multiple endocrine neoplasia, type 1. Last evaluated: 2024-09-30. Review status: criteria provided, single submitter. Criteria: LabCorp Variant Classification Summary - May 2015. Collection method: clinical testing. Allele origin: germline.
Comment: Variant summary: MEN1 c.134A>T (p.Glu45Val) results in a non-conservative amino acid change in the encoded protein sequence. Five of five in-silico tools predict a damaging effect of the variant on protein function. The variant was absent in 207856 control chromosomes. c.134A>T has been reported in the literature in an individual affected with Multiple endocrine neoplasia type 1 with bilateral adrenal carcinoma (e.g. Griniatsos_2011). Multiple variants affecting the same codon have been classified as pathogenic by our lab (c.134A>G, p.Glu45Gly) or in ClinVar (c.133G>C, p.Glu45Gln), supporting the critical relevance of codon 45 to MEN1 protein function. To our knowledge, no experimental evidence demonstrating an impact on protein function has been reported. The following publication has been ascertained in the context of this evaluation (PMID: 21266030). No submitters have cited clinical-significance assessments for this variant to ClinVar. Based on the evidence outlined above, the variant was classified as likely pathogenic.

Literature cited by the submitters: PubMed 21266030.

NM_001370259.2(MEN1):c.134A>T (p.Glu45Val)

Gene: MEN1 (menin 1; minus strand). Cytogenetic location: 11q13.1.
Variant type: single nucleotide variant.
Coding change: c.134A>T on transcript NM_001370259.2 (MANE Select); coding-DNA position 134, A replaced by T.
Protein change: p.Glu45Val; replaces glutamic acid 45 with valine.
Molecular consequence: missense variant. On other transcripts: non-coding transcript variant (4).
Genome position (GRCh38, 1-based): chr11:64,809,976, T>A on the plus strand (A>T on the coding strand, the complement: MEN1 is on the minus strand). VCF-style: chr11-64809976-T-A. GRCh37 (hg19) VCF-style: chr11-64577448-T-A.
Other names: c.134A>T, p.Glu45Val (NM_000244.4, NM_001370251.2, NM_001370260.2 and 20 more transcripts); short protein forms E45V.
Identifiers: ClinVar variation 3375273 (VCV003375273.1).